The following is an entry in ClinVar:

ClinVar aggregate classification (germline): Uncertain significance (0 of 4 stars; one submission).

Submission:

Martin Pollak Laboratory,  Beth Israel Deaconess Medical Center
Classification: Uncertain significance. Review status: no assertion criteria provided. Collection method: not provided. Allele origin: unknown.
Comment: Lower and higher UCa2+ groups
ClinVar note: Converted during submission from unknown to Uncertain significance.

NM_022911.3(SLC26A6):c.2081A>T (p.His694Leu)

Gene: SLC26A6 (solute carrier family 26 member 6; minus strand). Cytogenetic location: 3p21.31.
Variant type: single nucleotide variant.
Coding change: c.2081A>T on transcript NM_022911.3 (MANE Select); coding-DNA position 2081, A replaced by T.
Protein change: p.His694Leu; replaces histidine 694 with leucine.
Molecular consequence: missense variant.
Genome position (GRCh38, 1-based): chr3:48,626,678, T>A on the plus strand (A>T on the coding strand, the complement: SLC26A6 is on the minus strand). VCF-style: chr3-48626678-T-A. GRCh37 (hg19) VCF-style: chr3-48664111-T-A.
Other names: c.2018A>T, p.His673Leu (NM_001040454.1); c.1973A>T, p.His658Leu (NM_001281732.2); c.1757A>T, p.His586Leu (NM_001281733.2); c.2078A>T, p.His693Leu (NM_134263.3); c.2024A>T, p.His675Leu (NM_134426.3); short protein forms H673L, H694L, H586L, H693L, H658L, H675L.
Identifiers: ClinVar variation 64455 (VCV000064455.2), dbSNP rs387907500, ClinGen allele CA216179.
Genomic context (GRCh38, chr3:48,626,678, plus strand): 5'-CCACCCTACTCACTGTGGCAGGCCGCCATGTACACCTCCACCTCAATCTCCCGGAAGTCA[T>A]GGAAAATCTGTAGCGGAAAAGGGGGCCAGCCTCAGAGGGAGGCTCAGGGACTCAGAGGGG-3'
Protein context (NP_075062.2, residues 684-704): VCLKSLKNIF[His694Leu]DFREIEVEVY